The following is an entry in ClinVar:

ClinVar aggregate classification (germline): Pathogenic. Review status: criteria provided, multiple submitters, no conflicts (2 of 4 stars). 2 submissions from 2 submitters: Pathogenic (2). Last evaluated 2023-02-22.

Conditions:
Brain-lung-thyroid syndrome. Also called: Choreoathetosis, Congenital Hypothyroidism, and Neonatal Respiratory Distress Syndrome (Brain-Lung-Thyroid Syndrome); CHOREOATHETOSIS AND CONGENITAL HYPOTHYROIDISM WITH PULMONARY DYSFUNCTION; Choreoathetosis, congenital hypothyroidism, and neonatal respiratory distress. Identifiers: Orphanet 209905, MedGen C1970269, MONDO:0012593, OMIM 610978.

Submissions (2):

Molecular Diagnostics Lab, Nemours Children's Health, Delaware
Classification: Pathogenic for Brain-lung-thyroid syndrome. Last evaluated: 2023-02-22. Review status: criteria provided, single submitter. Criteria: ACMG Guidelines, 2015. Collection method: clinical testing. Allele origin: unknown. Inheritance: Autosomal dominant inheritance. Affected: yes. Observed: 1 heterozygote.

GeneDx
Classification: Pathogenic. Last evaluated: 2022-10-27. Review status: criteria provided, single submitter. Criteria: GeneDx Variant Classification Process June 2021. Collection method: clinical testing. Allele origin: germline. Affected: yes.
Comment: Nonsense variant in the C-terminus predicted to result in protein truncation, as the last 198 amino acids are lost, and other loss-of-function variants have been reported downstream in HGMD; Not observed at significant frequency in large population cohorts (gnomAD); Has not been previously published as pathogenic or benign to our knowledge

NM_001079668.3(NKX2-1):c.612C>A (p.Tyr204Ter)

Genes: NKX2-1 (NK2 homeobox 1; minus strand), SFTA3 (surfactant associated 3; minus strand). Cytogenetic location: 14q13.3.
Variant type: single nucleotide variant.
Coding change: c.612C>A on transcript NM_001079668.3 (MANE Select); coding-DNA position 612, C replaced by A.
Protein change: p.Tyr204Ter; replaces tyrosine 204 with a stop codon.
Molecular consequence: nonsense.
Genome position (GRCh38, 1-based): chr14:36,517,872, G>T on the plus strand (C>A on the coding strand, the complement: NKX2-1 is on the minus strand). VCF-style: chr14-36517872-G-T. GRCh37 (hg19) VCF-style: chr14-36987077-G-T.
Other names: c.522C>A, p.Tyr174Ter (NM_003317.4); short protein forms Y174*, Y204*.
Identifiers: ClinVar variation 1712809 (VCV001712809.4), dbSNP rs765736023, ClinGen allele CA389459432.